The following is an entry in ClinVar:

NM_001963.6(EGF):c.3313C>G (p.Gln1105Glu)

Gene: EGF (epidermal growth factor; plus strand). Cytogenetic location: 4q25.
Variant type: single nucleotide variant.
Coding change: c.3313C>G on transcript NM_001963.6 (MANE Select); coding-DNA position 3313, C replaced by G.
Protein change: p.Gln1105Glu; replaces glutamine 1105 with glutamic acid.
Molecular consequence: missense variant. On other transcripts: intron variant (1).
Genome position (GRCh38, 1-based): chr4:110,008,173, C>G. VCF-style: chr4-110008173-C-G. GRCh37 (hg19) VCF-style: chr4-110929329-C-G.
Other names: c.3190C>G, p.Gln1064Glu (NM_001178130.3); c.3187C>G, p.Gln1063Glu (NM_001178131.3); c.2923-3029C>G (NM_001357021.2); short protein forms Q1063E, Q1105E, Q1064E.
Identifiers: ClinVar variation 2900797 (VCV002900797.3), dbSNP rs899459812, ClinGen allele CA103714715.

ClinVar aggregate classification (germline): Uncertain significance (1 of 4 stars; one submission).

Allele frequency attached by ClinVar (database versions not stated): gnomAD exomes 0.00001.
gnomAD v4.1: 12 of 1,613,866 alleles (0.00074%); highest among the groups gnomAD compares: Non-Finnish European, 0.001%; no homozygotes.

Submission:

Labcorp Genetics (formerly Invitae), Labcorp
Classification: Uncertain significance. Last evaluated: 2025-02-03. Review status: criteria provided, single submitter. Criteria: Invitae Variant Classification Sherloc (09022015). Collection method: clinical testing. Allele origin: germline.
Comment: This sequence change replaces glutamine, which is neutral and polar, with glutamic acid, which is acidic and polar, at codon 1105 of the EGF protein (p.Gln1105Glu). This variant is present in population databases (no rsID available, gnomAD 0.0009%). This variant has not been reported in the literature in individuals affected with EGF-related conditions. ClinVar contains an entry for this variant (Variation ID: 2900797). An algorithm developed to predict the effect of missense changes on protein structure and function (PolyPhen-2) suggests that this variant is likely to be tolerated. In summary, the available evidence is currently insufficient to determine the role of this variant in disease. Therefore, it has been classified as a Variant of Uncertain Significance.